The following is an entry in ClinVar:

ClinVar aggregate classification (germline): Uncertain significance (1 of 4 stars; one submission).

Conditions:
Granulomatous disease, chronic, autosomal recessive, cytochrome b-positive, type 2. Also called: CGD, AUTOSOMAL RECESSIVE CYTOCHROME b-POSITIVE, TYPE II; GRANULOMATOUS DISEASE, CHRONIC, DUE TO NCF2 DEFICIENCY; GRANULOMATOUS DISEASE, CHRONIC, AUTOSOMAL RECESSIVE, 2; Chronic granulomatous disease due to deficiency of NCF-2; Chronic Granulomatous Disease, Autosomal Recessive, Cytochrome b-Positive, Type II. Identifiers: Orphanet 379, MedGen C1856245, MONDO:0009310, OMIM 233710.

Submission:

Labcorp Genetics (formerly Invitae), Labcorp
Classification: Uncertain significance for Granulomatous disease, chronic, autosomal recessive, cytochrome b-positive, type 2. Last evaluated: 2020-03-12. Review status: criteria provided, single submitter. Criteria: Invitae Variant Classification Sherloc (09022015). Collection method: clinical testing. Allele origin: germline.
Comment: This variant has not been reported in the literature in individuals with NCF2-related conditions. In summary, the available evidence is currently insufficient to determine the role of this variant in disease. Therefore, it has been classified as a Variant of Uncertain Significance. Algorithms developed to predict the effect of missense changes on protein structure and function output the following: SIFT: "Tolerated"; PolyPhen-2: "Benign"; Align-GVGD: "Class C0". The isoleucine amino acid residue is found in multiple mammalian species, suggesting that this missense change does not adversely affect protein function. These predictions have not been confirmed by published functional studies and their clinical significance is uncertain. This variant is not present in population databases (ExAC no frequency). This sequence change replaces methionine with isoleucine at codon 46 of the NCF2 protein (p.Met46Ile). The methionine residue is weakly conserved and there is a small physicochemical difference between methionine and isoleucine.

NM_000433.4(NCF2):c.138G>A (p.Met46Ile)

Gene: NCF2 (neutrophil cytosolic factor 2; minus strand). Cytogenetic location: 1q25.3.
Variant type: single nucleotide variant.
Coding change: c.138G>A on transcript NM_000433.4 (MANE Select); coding-DNA position 138, G replaced by A.
Protein change: p.Met46Ile; replaces methionine 46 with isoleucine.
Molecular consequence: missense variant.
Genome position (GRCh38, 1-based): chr1:183,590,192, C>T on the plus strand (G>A on the coding strand, the complement: NCF2 is on the minus strand). VCF-style: chr1-183590192-C-T. GRCh37 (hg19) VCF-style: chr1-183559327-C-T.
Other names: c.138G>A, p.Met46Ile (NM_001127651.3, NM_001190789.2, NM_001190794.2); short protein forms M46I.
Identifiers: ClinVar variation 1010288 (VCV001010288.9), dbSNP rs1673575856, ClinGen allele CA343684313.